The following is an entry in ClinVar:

ClinVar aggregate classification (germline): Likely benign. Review status: criteria provided, multiple submitters, no conflicts (2 of 4 stars). 4 submissions from 4 submitters: Likely benign (3). 1 of the submissions does not count toward it. Last evaluated 2025-04-21.

Conditions:
Cardiovascular phenotype. Identifiers: MedGen CN230736.
SCN10A-related disorder. Also called: SCN10A-related condition.
Brugada syndrome. Also called: Sudden Unexplained Death Syndrome; Sudden Unexplained Nocturnal Death Syndrome (SUNDS); Sudden unexpected nocturnal death syndrome; Sudden unexplained nocturnal death syndrome. Identifiers: Orphanet 130, MedGen C1142166, MONDO:0015263.

Allele frequency attached by ClinVar (database versions not stated): TOPMed 0.00004; gnomAD 0.00005 and 0.00006; gnomAD exomes 0.00005 and 0.00006; ExAC 0.00006.
gnomAD v4.1: 74 of 1,613,354 alleles (0.0046%); highest among the groups gnomAD compares: Non-Finnish European, 0.0048%; no homozygotes.

Submissions (4):

Labcorp Genetics (formerly Invitae), Labcorp
Classification: Likely benign for Brugada syndrome. Last evaluated: 2025-04-21. Review status: criteria provided, single submitter. Criteria: Invitae Variant Classification Sherloc (09022015). Collection method: clinical testing. Allele origin: germline.

Ambry Genetics
Classification: Likely benign for Cardiovascular phenotype. Last evaluated: 2019-07-11. Review status: criteria provided, single submitter. Criteria: Ambry Variant Classification Scheme 2023. Collection method: clinical testing. Allele origin: germline.

GeneDx
Classification: Likely benign. Last evaluated: 2017-03-15. Review status: criteria provided, single submitter. Criteria: GeneDx Variant Classification (06012015). Collection method: clinical testing. Allele origin: germline. Affected: yes.
Comment: This variant is considered likely benign or benign based on one or more of the following criteria: it is a conservative change, it occurs at a poorly conserved position in the protein, it is predicted to be benign by multiple in silico algorithms, and/or has population frequency not consistent with disease.

PreventionGenetics, part of Exact Sciences
Classification: Likely benign for SCN10A-related condition. Last evaluated: 2020-03-13. Review status: no assertion criteria provided. Collection method: clinical testing. Allele origin: germline. Not counted in ClinVar's aggregate classification.
Comment: This variant is classified as likely benign based on ACMG/AMP sequence variant interpretation guidelines (Richards et al. 2015 PMID: 25741868, with internal and published modifications).

NM_006514.4(SCN10A):c.609C>A (p.Gly203=)

Gene: SCN10A (sodium voltage-gated channel alpha subunit 10; minus strand). Cytogenetic location: 3p22.2.
Variant type: single nucleotide variant.
Coding change: c.609C>A on transcript NM_006514.4 (MANE Select); coding-DNA position 609, C replaced by A.
Protein change: p.Gly203=; no amino-acid change (glycine 203 retained).
Molecular consequence: synonymous variant.
Genome position (GRCh38, 1-based): chr3:38,763,587, G>T on the plus strand (C>A on the coding strand, the complement: SCN10A is on the minus strand). VCF-style: chr3-38763587-G-T. GRCh37 (hg19) VCF-style: chr3-38805078-G-T.
Other names: c.609C>A (NM_006514.3); c.609C>A, p.Gly203= (NM_001293306.2, NM_001293307.2).
Identifiers: ClinVar variation 508026 (VCV000508026.12), dbSNP rs532353167, ClinGen allele CA2321132.